The following is an entry in ClinVar:

NM_004211.5(SLC6A5):c.839C>G (p.Ser280Cys)

Gene: SLC6A5 (solute carrier family 6 member 5; plus strand). Cytogenetic location: 11p15.1.
Variant type: single nucleotide variant.
Coding change: c.839C>G on transcript NM_004211.5 (MANE Select); coding-DNA position 839, C replaced by G.
Protein change: p.Ser280Cys; replaces serine 280 with cysteine.
Molecular consequence: missense variant.
Genome position (GRCh38, 1-based): chr11:20,607,506, C>G. VCF-style: chr11-20607506-C-G. GRCh37 (hg19) VCF-style: chr11-20629052-C-G.
Other names: c.137C>G, p.Ser46Cys (NM_001318369.2); short protein forms S46C, S280C.
Identifiers: ClinVar variation 1986957 (VCV001986957.4), dbSNP rs774510262, ClinGen allele CA5921236.

ClinVar aggregate classification (germline): Uncertain significance (1 of 4 stars; one submission).

Conditions:
Hyperekplexia 3 (HKPX3). Also called: HYPEREKPLEXIA 3, AUTOSOMAL RECESSIVE; HYPEREKPLEXIA 3, AUTOSOMAL DOMINANT. Identifiers: Orphanet 3197, MedGen C3553288, MONDO:0013827, OMIM 614618.

Allele frequency attached by ClinVar (database versions not stated): gnomAD exomes below 0.00001; ExAC 0.00001.
gnomAD v4.1: 3 of 1,614,086 alleles (0.00019%); highest among the groups gnomAD compares: South Asian, 0.0011%; no homozygotes.

Submission:

Labcorp Genetics (formerly Invitae), Labcorp
Classification: Uncertain significance for Hyperekplexia 3. Last evaluated: 2022-01-11. Review status: criteria provided, single submitter. Criteria: Invitae Variant Classification Sherloc (09022015). Collection method: clinical testing. Allele origin: germline.
Comment: This variant has not been reported in the literature in individuals affected with SLC6A5-related conditions. This variant is present in population databases (rs774510262, gnomAD 0.003%). This sequence change replaces serine, which is neutral and polar, with cysteine, which is neutral and slightly polar, at codon 280 of the SLC6A5 protein (p.Ser280Cys). Advanced modeling of protein sequence and biophysical properties (such as structural, functional, and spatial information, amino acid conservation, physicochemical variation, residue mobility, and thermodynamic stability) performed at Invitae indicates that this missense variant is not expected to disrupt SLC6A5 protein function. In summary, the available evidence is currently insufficient to determine the role of this variant in disease. Therefore, it has been classified as a Variant of Uncertain Significance.